The following is an entry in ClinVar:

NM_181672.3(OGT):c.1974T>G (p.Ile658Met)

Gene: OGT (O-linked N-acetylglucosamine (GlcNAc) transferase; plus strand). Cytogenetic location: Xq13.1.
Variant type: single nucleotide variant.
Coding change: c.1974T>G on transcript NM_181672.3 (MANE Select); coding-DNA position 1974, T replaced by G.
Protein change: p.Ile658Met; replaces isoleucine 658 with methionine.
Molecular consequence: missense variant.
Genome position (GRCh38, 1-based): chrX:71,561,897, T>G. VCF-style: chrX-71561897-T-G. GRCh37 (hg19) VCF-style: chrX-70781747-T-G.
Other names: c.1944T>G, p.Ile648Met (NM_181673.3); short protein forms I648M, I658M.
Identifiers: ClinVar variation 1314305 (VCV001314305.2), dbSNP rs2147688604, ClinGen allele CA413561769.
Genomic context (GRCh38, chrX:71,561,897, plus strand): 5'-TATGAATGGCTATACTAAGGGCGCTCGAAATGAGCTTTTTGCTCTCAGGCCAGCTCCTAT[T>G]CAGGTAAACAAATTAACAGTCATCACTTATAACATGTATTTGGCTAAGAATACAGTGAGG-3'
Protein context (NP_858058.1, residues 648-668): NELFALRPAP[Ile658Met]QAMWLGYPGT

ClinVar aggregate classification (germline): Uncertain significance (1 of 4 stars; one submission).

Submission:

GeneDx
Classification: Uncertain significance. Last evaluated: 2021-04-09. Review status: criteria provided, single submitter. Criteria: GeneDx Variant Classification Process June 2021. Collection method: clinical testing. Allele origin: germline. Affected: yes.
Comment: Not observed in large population cohorts (Lek et al., 2016); In silico analysis supports that this missense variant has a deleterious effect on protein structure/function; Has not been previously published as pathogenic or benign to our knowledge